The following is an entry in ClinVar:

ClinVar aggregate classification (germline): Likely pathogenic (1 of 4 stars; one submission).

Conditions:
Spinocerebellar ataxia type 5 (SCA5). Identifiers: Orphanet 98766, MedGen C0752123, MONDO:0010848, OMIM 600224.

Submission:

Center of Genomic medicine, Geneva, University Hospital of Geneva
Classification: Likely pathogenic for Spinocerebellar ataxia type 5. Last evaluated: 2016-04-12. Review status: criteria provided, single submitter. Criteria: ACMG Guidelines, 2015. Collection method: clinical testing. Allele origin: de novo. Affected: yes.

NM_006946.4(SPTBN2):c.470T>C (p.Ile157Thr)

Gene: SPTBN2 (spectrin beta, non-erythrocytic 2; minus strand). Cytogenetic location: 11q13.2.
Variant type: single nucleotide variant.
Coding change: c.470T>C on transcript NM_006946.4 (MANE Select); coding-DNA position 470, T replaced by C.
Protein change: p.Ile157Thr; replaces isoleucine 157 with threonine.
Molecular consequence: missense variant.
Genome position (GRCh38, 1-based): chr11:66,715,235, A>G on the plus strand (T>C on the coding strand, the complement: SPTBN2 is on the minus strand). VCF-style: chr11-66715235-A-G. GRCh37 (hg19) VCF-style: chr11-66482706-A-G.
Other names: short protein forms I157T.
Identifiers: ClinVar variation 226117 (VCV000226117.2), dbSNP rs875989881, ClinGen allele CA10576252.